The following is an entry in ClinVar:

ClinVar aggregate classification (germline): Uncertain significance (1 of 4 stars; one submission).

Allele frequency attached by ClinVar (database versions not stated): gnomAD 0.00001; ESP Exome Variant Server 0.00008; TOPMed 0.00001; ExAC 0.00002.
gnomAD v4.1: 16 of 1,613,596 alleles (0.00099%); highest among the groups gnomAD compares: East Asian, 0.0045%; no homozygotes.

Submission:

Labcorp Genetics (formerly Invitae), Labcorp
Classification: Uncertain significance. Last evaluated: 2021-09-02. Review status: criteria provided, single submitter. Criteria: Invitae Variant Classification Sherloc (09022015). Collection method: clinical testing. Allele origin: germline.
Comment: This sequence change replaces tyrosine with cysteine at codon 2291 of the USH2A protein (p.Tyr2291Cys). The tyrosine residue is weakly conserved and there is a large physicochemical difference between tyrosine and cysteine. This variant is present in population databases (rs148817340, ExAC 0.01%). This variant has not been reported in the literature in individuals affected with USH2A-related conditions. Algorithms developed to predict the effect of missense changes on protein structure and function output the following: SIFT: "Tolerated"; PolyPhen-2: "Benign"; Align-GVGD: "Class C0". The cysteine amino acid residue is found in multiple mammalian species, which suggests that this missense change does not adversely affect protein function. In summary, the available evidence is currently insufficient to determine the role of this variant in disease. Therefore, it has been classified as a Variant of Uncertain Significance.

NM_206933.4(USH2A):c.6872A>G (p.Tyr2291Cys)

Gene: USH2A (usherin; minus strand). Cytogenetic location: 1q41.
Variant type: single nucleotide variant.
Coding change: c.6872A>G on transcript NM_206933.4 (MANE Select); coding-DNA position 6872, A replaced by G.
Protein change: p.Tyr2291Cys; replaces tyrosine 2291 with cysteine.
Molecular consequence: missense variant.
Genome position (GRCh38, 1-based): chr1:215,970,710, T>C on the plus strand (A>G on the coding strand, the complement: USH2A is on the minus strand). VCF-style: chr1-215970710-T-C. GRCh37 (hg19) VCF-style: chr1-216144052-T-C.
Other names: short protein forms Y2291C.
Identifiers: ClinVar variation 1425094 (VCV001425094.5), dbSNP rs148817340, ClinGen allele CA1395012.